The following is an entry in ClinVar:

ClinVar aggregate classification (germline): Pathogenic. Review status: criteria provided, multiple submitters, no conflicts (2 of 4 stars). 3 submissions from 3 submitters: Pathogenic (2). 1 of the submissions does not count toward it. Last evaluated 2025-05-20.

Conditions:
Hemoglobinopathy. Also called: Haemoglobinopathies; Hemoglobin disorder. Identifiers: MedGen C0019045, MONDO:0044348.
Dominant beta-thalassemia. Also called: Beta-thalassemia, dominant inclusion body type. Identifiers: Orphanet 231226, Orphanet 848, MedGen C1858990, MONDO:0011381, OMIM 603902.

Submissions (3):

Women's Health and Genetics/Laboratory Corporation of America, LabCorp
Classification: Pathogenic for Dominant beta-thalassemia. Last evaluated: 2025-05-20. Review status: criteria provided, single submitter. Criteria: LabCorp Variant Classification Summary - May 2015. Collection method: clinical testing. Allele origin: germline.
Comment: Variant summary: HBB c.347C>A (p.Ala116Asp) results in a non-conservative amino acid change in the encoded protein sequence. Algorithms developed to predict the effect of missense changes on protein structure and function all suggest that this variant is likely to be disruptive. The variant was absent in 251276 control chromosomes. c.347C>A has been observed in the heterozygous state in multiple individuals affected with Beta Thalassemia and segregated with disease in at least two families consistent with autosomal dominant inheritance (Ohga_2003, Da_2021, Parikh_2005, Divoky_1993). These data indicate that the variant is very likely to be associated with disease. This variant is also known as Hb Hradec Kralove (or Hb HK). The following publications have been ascertained in the context of this evaluation (PMID: 33979976, 7693620, 14686490, 15486951). ClinVar contains an entry for this variant (Variation ID: 15526). Based on the evidence outlined above, the variant was classified as pathogenic.

Mayo Clinic Laboratories, Mayo Clinic
Classification: Pathogenic. Last evaluated: 2021-05-17. Review status: criteria provided, single submitter. Criteria: ACMG Guidelines, 2015. Collection method: clinical testing. Allele origin: germline.

OMIM
Classification: Pathogenic for HEMOGLOBIN HRADEC KRALOVE. Last evaluated: 1993-08-01. Review status: no assertion criteria provided. Collection method: literature only. Allele origin: germline. Not counted in ClinVar's aggregate classification.

Literature cited by the submitters: PubMed 7693620 (cited by 3 submitters); PubMed 33979976 (cited by Women's Health and Genetics/Laboratory Corporation of America, LabCorp); PubMed 14686490 (cited by Women's Health and Genetics/Laboratory Corporation of America, LabCorp and Mayo Clinic Laboratories, Mayo Clinic); PubMed 15486951 (cited by Women's Health and Genetics/Laboratory Corporation of America, LabCorp); PubMed 26956563 (cited by Mayo Clinic Laboratories, Mayo Clinic); PubMed 24099628 (cited by Mayo Clinic Laboratories, Mayo Clinic).

NM_000518.5(HBB):c.347C>A (p.Ala116Asp)

Genes: HBB (hemoglobin subunit beta; minus strand), LOC107133510 (origin of replication at HBB; plus strand), LOC110006319 (beta-globin gene 3' regulatory region; plus strand). Cytogenetic location: 11p15.4.
Variant type: single nucleotide variant.
Coding change: c.347C>A on transcript NM_000518.5 (MANE Select); coding-DNA position 347, C replaced by A.
Protein change: p.Ala116Asp; replaces alanine 116 with aspartic acid.
Molecular consequence: missense variant.
Genome position (GRCh38, 1-based): chr11:5,225,695, G>T on the plus strand (C>A on the coding strand, the complement: HBB is on the minus strand). VCF-style: chr11-5225695-G-T. GRCh37 (hg19) VCF-style: chr11-5246925-G-T.
Other names: A115D; Hb Hradec Kralove; Hb HK; short protein forms A116D.
Identifiers: ClinVar variation 15526 (VCV000015526.6), dbSNP rs35485099, ClinGen allele CA125396.